The following is an entry in ClinVar:

ClinVar aggregate classification (germline): Likely pathogenic (1 of 4 stars; one submission).

gnomAD v4.1: 1 of 1,614,196 alleles (0.000062%); highest among the groups gnomAD compares: Non-Finnish European, 0.000085%; no homozygotes.

Submission:

GeneDx
Classification: Likely pathogenic. Last evaluated: 2024-04-03. Review status: criteria provided, single submitter. Criteria: GeneDx Variant Classification Process June 2021. Collection method: clinical testing. Allele origin: germline. Affected: yes.
Comment: Not observed at significant frequency in large population cohorts (gnomAD); In silico analysis supports that this missense variant does not alter protein structure/function; Has not been previously published as pathogenic or benign to our knowledge; This variant is associated with the following publications: (PMID: 25512093, 25609763, 26100331)

NM_001376.5(DYNC1H1):c.11276G>A (p.Arg3759His)

Gene: DYNC1H1 (dynein cytoplasmic 1 heavy chain 1; plus strand). Cytogenetic location: 14q32.31.
Variant type: single nucleotide variant.
Coding change: c.11276G>A on transcript NM_001376.5 (MANE Select); coding-DNA position 11276, G replaced by A.
Protein change: p.Arg3759His; replaces arginine 3759 with histidine.
Molecular consequence: missense variant.
Genome position (GRCh38, 1-based): chr14:102,039,070, G>A. VCF-style: chr14-102039070-G-A. GRCh37 (hg19) VCF-style: chr14-102505407-G-A.
Other names: short protein forms R3759H.
Identifiers: ClinVar variation 3361938 (VCV003361938.1).